The following is an entry in ClinVar:

NM_001737.5(C9):c.223G>A (p.Gly75Arg)

Gene: C9 (complement C9; minus strand). Cytogenetic location: 5p13.1.
Variant type: single nucleotide variant.
Coding change: c.223G>A on transcript NM_001737.5 (MANE Select); coding-DNA position 223, G replaced by A.
Protein change: p.Gly75Arg; replaces glycine 75 with arginine.
Molecular consequence: missense variant.
Genome position (GRCh38, 1-based): chr5:39,341,661, C>T on the plus strand (G>A on the coding strand, the complement: C9 is on the minus strand). VCF-style: chr5-39341661-C-T. GRCh37 (hg19) VCF-style: chr5-39341763-C-T.
Other names: short protein forms G75R.
Identifiers: ClinVar variation 1384368 (VCV001384368.8), dbSNP rs2111954402, ClinGen allele CA359563671.

ClinVar aggregate classification (germline): Uncertain significance (1 of 4 stars; one submission).

Submission:

Labcorp Genetics (formerly Invitae), Labcorp
Classification: Uncertain significance. Last evaluated: 2022-08-23. Review status: criteria provided, single submitter. Criteria: Invitae Variant Classification Sherloc (09022015). Collection method: clinical testing. Allele origin: germline.
Comment: In summary, the available evidence is currently insufficient to determine the role of this variant in disease. Therefore, it has been classified as a Variant of Uncertain Significance. Algorithms developed to predict the effect of sequence changes on RNA splicing suggest that this variant may create or strengthen a splice site. Algorithms developed to predict the effect of missense changes on protein structure and function are either unavailable or do not agree on the potential impact of this missense change (SIFT: "Not Available"; PolyPhen-2: "Probably Damaging"; Align-GVGD: "Not Available"). ClinVar contains an entry for this variant (Variation ID: 1384368). This variant has not been reported in the literature in individuals affected with C9-related conditions. This variant is not present in population databases (gnomAD no frequency). This sequence change replaces glycine, which is neutral and non-polar, with arginine, which is basic and polar, at codon 75 of the C9 protein (p.Gly75Arg).